The following is an entry in ClinVar:

NM_001174089.2(SLC4A11):c.2558G>A (p.Arg853His)

Gene: SLC4A11 (solute carrier family 4 member 11; minus strand). Cytogenetic location: 20p13.
Variant type: single nucleotide variant.
Coding change: c.2558G>A on transcript NM_001174089.2 (MANE Select); coding-DNA position 2558, G replaced by A.
Protein change: p.Arg853His; replaces arginine 853 with histidine.
Molecular consequence: missense variant. On other transcripts: non-coding transcript variant (1).
Genome position (GRCh38, 1-based): chr20:3,228,259, C>T on the plus strand (G>A on the coding strand, the complement: SLC4A11 is on the minus strand). VCF-style: chr20-3228259-C-T. GRCh37 (hg19) VCF-style: chr20-3208905-C-T.
Other names: c.2606G>A (NM_032034.3); c.2687G>A, p.Arg896His (NM_001174090.2); c.2444G>A, p.Arg815His (NM_001363745.2); c.2606G>A, p.Arg869His (NM_032034.4); short protein forms R869H, R853H, R815H, R896H.
Identifiers: ClinVar variation 1311 (VCV000001311.8), dbSNP rs121909392, ClinGen allele CA250444.
Genomic context (GRCh38, chr20:3,228,259, plus strand): 5'-GCCCGCCCATTCTCCACACCTAGACTGGGCCCCTCCTGCCCACTGCCCACCCGCCTGTAC[C>T]GGATGGGGATCATGGCGATCATGATGAGGGGAAAGATCATCTTCATGTAGGGCAGGGAGC-3'
Protein context (NP_001167560.1, residues 843-863): PLIMIAMIPI[Arg853His]YILLPRIIEA

ClinVar aggregate classification (germline): Pathogenic/Likely pathogenic. Review status: criteria provided, multiple submitters, no conflicts (2 of 4 stars). 4 submissions from 4 submitters: Pathogenic (1); Likely pathogenic (2). 1 of the submissions does not count toward it. Last evaluated 2026-01-03.

Conditions:
Corneal dystrophy, Fuchs endothelial, 4 (FECD4). Identifiers: Orphanet 98974, MedGen C2750450, MONDO:0013204, OMIM 613268.
Corneal dystrophy-perceptive deafness syndrome (CDPD). Also called: CORNEAL DYSTROPHY AND SENSORINEURAL DEAFNESS; HARBOYAN SYNDROME. Identifiers: Orphanet 1490, MedGen C1857572, MONDO:0009015, OMIM 217400.
Congenital hereditary endothelial dystrophy of cornea. Also called: Congenital hereditary endothelial dystrophy type II; Congenital hereditary endothelial dystrophy of the cornea; Maumenee corneal dystrophy; CORNEAL DYSTROPHY, CONGENITAL HEREDITARY ENDOTHELIAL; Corneal endothelial dystrophy, autosomal recessive. Identifiers: Orphanet 293603, MedGen C1857569, MONDO:0009019, OMIM 217700.

Allele frequency attached by ClinVar (database versions not stated): ExAC 0.00003; gnomAD exomes 0.00001.
gnomAD v4.1: 14 of 1,612,362 alleles (0.00087%); highest among the groups gnomAD compares: East Asian, 0.0022%; no homozygotes.

Submissions (4):

Labcorp Genetics (formerly Invitae), Labcorp
Classification: Pathogenic. Last evaluated: 2026-01-03. Review status: criteria provided, single submitter. Criteria: Invitae Variant Classification Sherloc (09022015). Collection method: clinical testing. Allele origin: germline.
Comment: This sequence change replaces arginine, which is basic and polar, with histidine, which is basic and polar, at codon 869 of the SLC4A11 protein (p.Arg869His). This variant also falls at the last nucleotide of exon 18, which is part of the consensus splice site for this exon. This variant is present in population databases (rs121909392, gnomAD 0.003%). This missense change has been observed in individuals with corneal endothelial dystrophy (PMID: 16825429, 23922488, 26619383). ClinVar contains an entry for this variant (Variation ID: 1311). Invitae Evidence Modeling of protein sequence and biophysical properties (such as structural, functional, and spatial information, amino acid conservation, physicochemical variation, residue mobility, and thermodynamic stability) indicates that this missense variant is expected to disrupt SLC4A11 protein function with a positive predictive value of 95%. Experimental studies are conflicting or provide insufficient evidence to determine the effect of this variant on SLC4A11 function (PMID: 29327391). Variants that disrupt the consensus splice site are a relatively common cause of aberrant splicing (PMID: 17576681, 9536098). Algorithms developed to predict the effect of sequence changes on RNA splicing suggest that this variant may disrupt the consensus splice site. For these reasons, this variant has been classified as Pathogenic.

Natera, Inc.
Classification: Likely pathogenic for Corneal dystrophy-perceptive deafness syndrome. Last evaluated: 2025-07-14. Review status: criteria provided, single submitter. Criteria: Natera Variant Classification Schema (03/2026). Collection method: clinical testing. Allele origin: germline.
Comment: The c.2606G>A variant in SLC4A11 is a missense variant predicted to cause substitution of arginine to histidine at amino acid 869. This variant is rare in the general population with a frequency below the threshold expected for the associated phenotype(s). This variant has been observed in one or more individuals affected with the associated recessive disease, as either homozygous or compound heterozygous with a second variant (PMID: 16825429, 23922488, 26619383). Computational prediction algorithms indicate this variant is likely to affect gene or protein function. Given the available evidence, this variant is classified as Likely Pathogenic.

Fulgent Genetics
Classification: Likely pathogenic for Corneal dystrophy-perceptive deafness syndrome; Congenital hereditary endothelial dystrophy of cornea; Corneal dystrophy, Fuchs endothelial, 4. Last evaluated: 2024-01-21. Review status: criteria provided, single submitter. Criteria: ACMG Guidelines, 2015. Collection method: clinical testing. Allele origin: germline.

OMIM
Classification: Pathogenic for CORNEAL ENDOTHELIAL DYSTROPHY. Last evaluated: 2007-01-01. Review status: no assertion criteria provided. Collection method: literature only. Allele origin: germline. Not counted in ClinVar's aggregate classification.

Literature cited by the submitters: PubMed 16825429 (cited by 3 submitters); PubMed 23922488 (cited by Labcorp Genetics (formerly Invitae), Labcorp and Natera, Inc.); PubMed 26619383 (cited by Labcorp Genetics (formerly Invitae), Labcorp and Natera, Inc.); PubMed 29327391 (cited by Labcorp Genetics (formerly Invitae), Labcorp); PubMed 17576681 (cited by Labcorp Genetics (formerly Invitae), Labcorp); PubMed 9536098 (cited by Labcorp Genetics (formerly Invitae), Labcorp).